The following is an entry in ClinVar:

ClinVar aggregate classification (germline): Uncertain significance. Review status: criteria provided, multiple submitters, no conflicts (2 of 4 stars). 2 submissions from 2 submitters: Uncertain significance (2). Last evaluated 2025-12-24.

Allele frequency attached by ClinVar (database versions not stated): gnomAD 0.00001; gnomAD exomes 0.00001; TOPMed 0.00001; ExAC 0.00002.

Submissions (2):

Labcorp Genetics (formerly Invitae), Labcorp
Classification: Uncertain significance. Last evaluated: 2025-12-24. Review status: criteria provided, single submitter. Criteria: Invitae Variant Classification Sherloc (09022015). Collection method: clinical testing. Allele origin: germline.
Comment: This sequence change replaces arginine, which is basic and polar, with histidine, which is basic and polar, at codon 1570 of the SBF1 protein (p.Arg1570His). This variant is present in population databases (rs747116103, gnomAD 0.002%). This variant has not been reported in the literature in individuals affected with SBF1-related conditions. ClinVar contains an entry for this variant (Variation ID: 1426547). Invitae Evidence Modeling of protein sequence and biophysical properties (such as structural, functional, and spatial information, amino acid conservation, physicochemical variation, residue mobility, and thermodynamic stability) has been performed for this missense variant. However, the output from this modeling did not meet the statistical confidence thresholds required to predict the impact of this variant on SBF1 protein function. In summary, the available evidence is currently insufficient to determine the role of this variant in disease. Therefore, it has been classified as a Variant of Uncertain Significance.

Ambry Genetics
Classification: Uncertain significance. Last evaluated: 2025-12-08. Review status: criteria provided, single submitter. Criteria: Ambry Variant Classification Scheme 2023. Collection method: clinical testing. Allele origin: germline.

NM_002972.4(SBF1):c.4709G>A (p.Arg1570His)

Gene: SBF1 (SET binding factor 1; minus strand). Cytogenetic location: 22q13.33.
Variant type: single nucleotide variant.
Coding change: c.4709G>A on transcript NM_002972.4 (MANE Select); coding-DNA position 4709, G replaced by A.
Protein change: p.Arg1570His; replaces arginine 1570 with histidine.
Molecular consequence: missense variant.
Genome position (GRCh38, 1-based): chr22:50,454,917, C>T on the plus strand (G>A on the coding strand, the complement: SBF1 is on the minus strand). VCF-style: chr22-50454917-C-T. GRCh37 (hg19) VCF-style: chr22-50893346-C-T.
Other names: c.4634G>A, p.Arg1545His (NM_001365819.1); c.4709G>A (NM_002972.2); short protein forms R1570H, R1545H.
Identifiers: ClinVar variation 1426547 (VCV001426547.6), dbSNP rs747116103, ClinGen allele CA10316153.